The following is an entry in ClinVar:

ClinVar aggregate classification (germline): Uncertain significance (1 of 4 stars; one submission).

Conditions:
Hereditary cancer-predisposing syndrome. Also called: Tumor predisposition; Hereditary neoplastic syndrome; Neoplastic Syndromes, Hereditary; Hereditary Cancer Syndrome. Identifiers: Orphanet 140162, MedGen C0027672, MeSH D009386, MONDO:0015356.

Submission:

Ambry Genetics
Classification: Uncertain significance for Hereditary cancer-predisposing syndrome. Last evaluated: 2024-10-03. Review status: criteria provided, single submitter. Criteria: Ambry Variant Classification Scheme 2023. Collection method: clinical testing. Allele origin: germline.
Comment: The p.Y407D variant (also known as c.1219T>G), located in coding exon 9 of the BMPR1A gene, results from a T to G substitution at nucleotide position 1219. The tyrosine at codon 407 is replaced by aspartic acid, an amino acid with highly dissimilar properties. This amino acid position is highly conserved in available vertebrate species. In addition, this alteration is predicted to be deleterious by in silico analysis. Since supporting evidence is limited at this time, the clinical significance of this alteration remains unclear.

NM_004329.3(BMPR1A):c.1219T>G (p.Tyr407Asp)

Gene: BMPR1A (bone morphogenetic protein receptor type 1A; plus strand). Cytogenetic location: 10q23.2.
Variant type: single nucleotide variant.
Coding change: c.1219T>G on transcript NM_004329.3 (MANE Select); coding-DNA position 1219, T replaced by G.
Protein change: p.Tyr407Asp; replaces tyrosine 407 with aspartic acid.
Molecular consequence: missense variant.
Genome position (GRCh38, 1-based): chr10:86,921,572, T>G. VCF-style: chr10-86921572-T-G. GRCh37 (hg19) VCF-style: chr10-88681329-T-G.
Other names: short protein forms Y407D.
Identifiers: ClinVar variation 818630 (VCV000818630.5), dbSNP rs1589292594, ClinGen allele CA377461990.